The following is an entry in ClinVar:

NM_000760.4(CSF3R):c.1537_1552del (p.Gly513fs)

Gene: CSF3R (colony stimulating factor 3 receptor; minus strand). Cytogenetic location: 1p34.3.
Variant type: Deletion.
Coding change: c.1537_1552del on transcript NM_000760.4 (MANE Select); coding-DNA positions 1537 to 1552, 16 bases deleted (GGACCCTCCCAGCATG).
Protein change: p.Gly513fs; shifts the reading frame from glycine 513.
Molecular consequence: frameshift variant.
Genome position (GRCh38, 1-based): chr1:36,469,180-36,469,195, CATGCTGGGAGGGTCC deleted on the plus strand (GGACCCTCCCAGCATG on the coding strand, the reverse complement: CSF3R is on the minus strand); deleting any 16 consecutive bases within chr1:36,469,180-36,469,199 gives the same sequence; the c. name uses the placement nearest the transcript's 3' end. VCF-style (leftmost placement, unchanged base first): chr1-36469179-ACATGCTGGGAGGGTCC-A. GRCh37 (hg19) VCF-style: chr1-36934780-ACATGCTGGGAGGGTCC-A.
Other names: c.1537_1552del, p.Gly513fs (NM_156039.3, NM_172313.3); short protein forms G513fs.
Identifiers: ClinVar variation 1163142 (VCV001163142.5), dbSNP rs2124107312, ClinGen allele CA2499214696.

ClinVar aggregate classification (germline): Likely pathogenic (1 of 4 stars; one submission).

Submission:

Mayo Clinic Laboratories, Mayo Clinic
Classification: Likely pathogenic. Last evaluated: 2019-12-11. Review status: criteria provided, single submitter. Criteria: ACMG Guidelines, 2015. Collection method: clinical testing. Allele origin: germline. Observed: 1 variant allele.
Comment: PVS1, PM2

Literature cited by the submitters: PubMed 26324699; PubMed 24753537.